The following is an entry in ClinVar:

NM_001128126.3(AP4S1):c.306+2938del

Gene: AP4S1 (adaptor related protein complex 4 subunit sigma 1; plus strand). Cytogenetic location: 14q12.
Variant type: Deletion.
Coding change: c.306+2938del on transcript NM_001128126.3 (MANE Select); 2938 bases into the intron after coding-DNA position 306, one base deleted (T; older notation c.306+2938delT).
Molecular consequence: intron variant.
Genome position (GRCh38, 1-based): chr14:31,083,522, T deleted; the last of 26 consecutive T bases (chr14:31,083,497-31,083,522); deleting any one gives the same sequence. VCF-style (leftmost placement, unchanged base first): chr14-31083496-CT-C. GRCh37 (hg19) VCF-style: chr14-31552702-CT-C.
Other names: c.306+2938del (NM_001254729.2, NM_001254728.2); c.367-4del (NM_001254727.2); c.367-1247del (NM_007077.5); c.295-1247del (NM_001254726.2).
Identifiers: ClinVar variation 3042933 (VCV003042933.2), dbSNP rs768336426, ClinGen allele CA704946726.

ClinVar aggregate classification (germline): Likely benign (0 of 4 stars; one submission).

Conditions:
AP4S1-related disorder.

Submission:

PreventionGenetics, part of Exact Sciences
Classification: Likely benign for AP4S1-related condition. Last evaluated: 2024-05-23. Review status: no assertion criteria provided. Collection method: clinical testing. Allele origin: germline.
Comment: This variant is classified as likely benign based on ACMG/AMP sequence variant interpretation guidelines (Richards et al. 2015 PMID: 25741868, with internal and published modifications).